The following is an entry in ClinVar:

ClinVar aggregate classification (germline): Uncertain significance (1 of 4 stars; one submission).

Conditions:
Hereditary cancer-predisposing syndrome. Also called: Neoplastic Syndromes, Hereditary; Tumor predisposition; Hereditary Cancer Syndrome; Hereditary neoplastic syndrome. Identifiers: Orphanet 140162, MedGen C0027672, MeSH D009386, MONDO:0015356.

Submission:

Ambry Genetics
Classification: Uncertain significance for Hereditary cancer-predisposing syndrome. Last evaluated: 2021-08-22. Review status: criteria provided, single submitter. Criteria: Ambry Variant Classification Scheme 2023. Collection method: clinical testing. Allele origin: germline.
Comment: The p.R981S variant (also known as c.2941C>A), located in coding exon 19 of the ATM gene, results from a C to A substitution at nucleotide position 2941. The arginine at codon 981 is replaced by serine, an amino acid with dissimilar properties. This amino acid position is conserved. In addition, the in silico prediction for this alteration is inconclusive. Since supporting evidence is limited at this time, the clinical significance of this alteration remains unclear.

NM_000051.4(ATM):c.2941C>A (p.Arg981Ser)

Gene: ATM (ATM serine/threonine kinase; plus strand). Cytogenetic location: 11q22.3.
Variant type: single nucleotide variant.
Coding change: c.2941C>A on transcript NM_000051.4 (MANE Select); coding-DNA position 2941, C replaced by A.
Protein change: p.Arg981Ser; replaces arginine 981 with serine.
Molecular consequence: missense variant.
Genome position (GRCh38, 1-based): chr11:108,271,270, C>A. VCF-style: chr11-108271270-C-A. GRCh37 (hg19) VCF-style: chr11-108141997-C-A.
Other names: c.2941C>A, p.Arg981Ser (NM_001351834.2); short protein forms R981S.
Identifiers: ClinVar variation 1797923 (VCV001797923.2), dbSNP rs587780619, ClinGen allele CA382547145.
Genomic context (GRCh38, chr11:108,271,270, plus strand): 5'-TAAGCTTATAAAGTTGAACTTTTTTTTTTTTTTTACCACAGCAATGTGTGTTCTTTGTAT[C>A]GTCGTGACCAAGATGTTTGTAAAACTATTTTAAACCATGTCCTTCATGTAGTGAAAAACC-3'
Protein context (NP_000042.3, residues 971-991): KPLSNVCSLY[Arg981Ser]RDQDVCKTIL